The following is an entry in ClinVar:

ClinVar aggregate classification (germline): Uncertain significance. Review status: criteria provided, multiple submitters, no conflicts (2 of 4 stars). 4 submissions from 4 submitters: Uncertain significance (4). Last evaluated 2025-08-21.

Conditions:
Cystinuria (CSNU). Also called: Cystinuria, non-type I; CYSTINURIA, TYPE I; CYSTINURIA, TYPE II; CYSTINURIA, TYPE III. Identifiers: Orphanet 214, MedGen C0010691, MONDO:0009067, OMIM 220100, HP:0003131.

Allele frequency attached by ClinVar (database versions not stated): TOPMed 0.00008; 1000 Genomes Project 30x 0.00016; gnomAD 0.00003; ESP Exome Variant Server 0.00008.
gnomAD v4.1: 310 of 1,613,294 alleles (0.019%); highest among the groups gnomAD compares: Non-Finnish European, 0.025%; no homozygotes.

Submissions (4):

Labcorp Genetics (formerly Invitae), Labcorp
Classification: Uncertain significance for Cystinuria. Last evaluated: 2025-08-21. Review status: criteria provided, single submitter. Criteria: Invitae Variant Classification Sherloc (09022015). Collection method: clinical testing. Allele origin: germline.
Comment: This sequence change replaces arginine, which is basic and polar, with cysteine, which is neutral and slightly polar, at codon 504 of the SLC3A1 protein (p.Arg504Cys). This variant is present in population databases (rs201143887, gnomAD 0.02%). This variant has not been reported in the literature in individuals affected with SLC3A1-related conditions. ClinVar contains an entry for this variant (Variation ID: 336207). Invitae Evidence Modeling of protein sequence and biophysical properties (such as structural, functional, and spatial information, amino acid conservation, physicochemical variation, residue mobility, and thermodynamic stability) has been performed for this missense variant. However, the output from this modeling did not meet the statistical confidence thresholds required to predict the impact of this variant on SLC3A1 protein function. In summary, the available evidence is currently insufficient to determine the role of this variant in disease. Therefore, it has been classified as a Variant of Uncertain Significance.

Blueprint Genetics
Classification: Uncertain significance. Last evaluated: 2024-10-25. Review status: criteria provided, single submitter. Criteria: ACMG Guidelines, 2015. Collection method: clinical testing. Allele origin: germline.

ARUP Laboratories, Molecular Genetics and Genomics, ARUP Laboratories
Classification: Uncertain significance. Last evaluated: 2018-02-08. Review status: criteria provided, single submitter. Criteria: ARUP Molecular Germline Variant Investigation Process. Collection method: clinical testing. Allele origin: germline.
Comment: The SLC3A1 p.Arg504Cys variant (rs201143887), to our knowledge, is not reported in the medical literature, but it is reported in ClinVar (Variation ID: 336207). This variant is also found in the non-Finnish European population with an allele frequency of 0.016% (20/126,482 alleles) in the Genome Aggregation Database. The arginine at codon 504 is weakly conserved considering 21 species (Alamut software v2.10.0), and computational analyses predict that this variant does not affect the structure/function of the SLC3A1 protein (SIFT: tolerated, PolyPhen2: benign). However, based on the available information, the clinical significance of the p.Arg504Cys variant is uncertain at this time.

Illumina Laboratory Services, Illumina
Classification: Uncertain significance for Cystinuria. Last evaluated: 2018-01-13. Review status: criteria provided, single submitter. Criteria: ICSL Variant Classification Criteria 13 December 2019. Collection method: clinical testing. Allele origin: germline.

NM_000341.4(SLC3A1):c.1510C>T (p.Arg504Cys)

Gene: SLC3A1 (solute carrier family 3 member 1; plus strand). Cytogenetic location: 2p21.
Variant type: single nucleotide variant.
Coding change: c.1510C>T on transcript NM_000341.4 (MANE Select); coding-DNA position 1510, C replaced by T.
Protein change: p.Arg504Cys; replaces arginine 504 with cysteine.
Molecular consequence: missense variant.
Genome position (GRCh38, 1-based): chr2:44,313,844, C>T. VCF-style: chr2-44313844-C-T. GRCh37 (hg19) VCF-style: chr2-44540983-C-T.
Other names: short protein forms R504C.
Identifiers: ClinVar variation 336207 (VCV000336207.17), dbSNP rs201143887, ClinGen allele CA1640632.